The following is an entry in ClinVar:

ClinVar aggregate classification (germline): Uncertain significance (1 of 4 stars; one submission).

Conditions:
Pityriasis rubra pilaris (PRP). Also called: Pityriasis rubra pilaris--familial type. Identifiers: Orphanet 2897, MedGen C0032027, MONDO:0100017, OMIM 173200, MONDO:0008251.
Psoriasis 2. Identifiers: MedGen C1864497, MONDO:0011269, OMIM 602723.

Allele frequency attached by ClinVar (database versions not stated): ExAC 0.00001; gnomAD exomes 0.00001.
gnomAD v4.1: 5 of 1,613,030 alleles (0.00031%); highest among the groups gnomAD compares: South Asian, 0.0022%; no homozygotes.

Submission:

Labcorp Genetics (formerly Invitae), Labcorp
Classification: Uncertain significance for Pityriasis rubra pilaris; Psoriasis 2. Last evaluated: 2025-07-03. Review status: criteria provided, single submitter. Criteria: Invitae Variant Classification Sherloc (09022015). Collection method: clinical testing. Allele origin: germline.
Comment: This sequence change replaces serine, which is neutral and polar, with glycine, which is neutral and non-polar, at codon 909 of the CARD14 protein (p.Ser909Gly). This variant is present in population databases (rs748610851, gnomAD 0.004%). This variant has not been reported in the literature in individuals affected with CARD14-related conditions. ClinVar contains an entry for this variant (Variation ID: 1353761). Invitae Evidence Modeling of protein sequence and biophysical properties (such as structural, functional, and spatial information, amino acid conservation, physicochemical variation, residue mobility, and thermodynamic stability) indicates that this missense variant is not expected to disrupt CARD14 protein function with a negative predictive value of 95%. In summary, the available evidence is currently insufficient to determine the role of this variant in disease. Therefore, it has been classified as a Variant of Uncertain Significance.

NM_001366385.1(CARD14):c.2725A>G (p.Ser909Gly)

Genes: CARD14 (caspase recruitment domain family member 14; plus strand), SGSH (N-sulfoglucosamine sulfohydrolase; minus strand). Cytogenetic location: 17q25.3.
Variant type: single nucleotide variant.
Coding change: c.2725A>G on transcript NM_001366385.1 (MANE Select); coding-DNA position 2725, A replaced by G.
Protein change: p.Ser909Gly; replaces serine 909 with glycine.
Molecular consequence: missense variant. On other transcripts: non-coding transcript variant (1).
Genome position (GRCh38, 1-based): chr17:80,207,003, A>G. VCF-style: chr17-80207003-A-G. GRCh37 (hg19) VCF-style: chr17-78180802-A-G.
Other names: c.2725A>G, p.Ser909Gly (NM_024110.4); short protein forms S909G.
Identifiers: ClinVar variation 1353761 (VCV001353761.2), dbSNP rs748610851, ClinGen allele CA8817433.
Genomic context (GRCh38, chr17:80,207,003, plus strand): 5'-CTCACTTCTTCTCTCCCTCCCACAAAGAACACCCATGCCCTCCTGGACGTCCAGCTGGAC[A>G]GTGTCTGCACCCTGCACAGGATGGACATCTTCCCCATCGTCATCCACGTCTCTGTCAACG-3'
Protein context (NP_001353314.1, residues 899-919): THALLDVQLD[Ser909Gly]VCTLHRMDIF